The following is an entry in ClinVar:

ClinVar aggregate classification (germline): Pathogenic/Likely pathogenic. Review status: criteria provided, multiple submitters, no conflicts (2 of 4 stars). 13 submissions from 13 submitters: Pathogenic (11); Likely pathogenic (1). 1 of the submissions does not count toward it. Last evaluated 2025-12-08.

Conditions:
Seizure. Also called: Seizures. Identifiers: MedGen C0036572, HP:0001250.
Inborn genetic diseases. Identifiers: MedGen C0950123, MeSH D030342.
CYFIP2-related disorders.
Developmental and epileptic encephalopathy, 65. Also called: EPILEPTIC ENCEPHALOPATHY, EARLY INFANTILE, 65. Identifiers: MedGen C4693925, MONDO:0033374, OMIM 618008.

Submissions (13):

Labcorp Genetics (formerly Invitae), Labcorp
Classification: Pathogenic. Last evaluated: 2025-12-08. Review status: criteria provided, single submitter. Criteria: Invitae Variant Classification Sherloc (09022015). Collection method: clinical testing. Allele origin: germline.
Comment: This sequence change replaces arginine, which is basic and polar, with cysteine, which is neutral and slightly polar, at codon 87 of the CYFIP2 protein (p.Arg87Cys). This variant is not present in population databases (gnomAD no frequency). This missense change has been observed in individual(s) with CYFIP2-related conditions (PMID: 29534297, 29667327, 30664714). In at least one individual the variant was observed to be de novo. ClinVar contains an entry for this variant (Variation ID: 430807). Algorithms developed to predict the effect of variants on gene product structure and function are not available or were not evaluated for this variant. Experimental studies have shown that this missense change affects CYFIP2 function (PMID: 29534297). For these reasons, this variant has been classified as Pathogenic.

Laboratoire Génétique Moléculaire, CHRU TOURS
Classification: Pathogenic for Developmental and epileptic encephalopathy, 65. Last evaluated: 2025-03-20. Review status: criteria provided, single submitter. Criteria: ACMG Guidelines, 2015. Collection method: clinical testing. Allele origin: de novo. Affected: yes.
Comment: PS2;PM1;PM2;PM5;PP3;PP4;PP5

Victorian Clinical Genetics Services, Murdoch Childrens Research Institute
Classification: Pathogenic for Developmental and epileptic encephalopathy, 65. Last evaluated: 2024-10-09. Review status: criteria provided, single submitter. Criteria: ACMG Guidelines, 2015. Collection method: clinical testing. Allele origin: germline. Inheritance: Autosomal dominant inheritance. Affected: yes.
Comment: Based on the classification scheme VCGS_Germline_v1.3.4, this variant is classified as Pathogenic. Following criteria are met: 0102 - Loss of function is a known mechanism of disease in this gene and is associated with developmental and epileptic encephalopathy 65 (MIM#618008). (I) 0107 - This gene is associated with autosomal dominant disease. (I) 0115 - Variants in this gene are known to have variable expressivity (PMID: 33149277). (I) 0200 - Variant is predicted to result in a missense amino acid change from arginine to cysteine. (I) 0251 - This variant is heterozygous. (I) 0301 - Variant is absent from gnomAD (both v2 and v3). (SP) 0501 - Missense variant consistently predicted to be damaging by multiple in silico tools or highly conserved with a major amino acid change. (SP) 0602 - Variant is located in a hotspot region or cluster of pathogenic variants (PMID: 2953497). (SP) 0801 - This variant has strong previous evidence of pathogenicity in unrelated individuals. This variant is one of the most commonly reported pathogenic variants in CYFIP2 associated with epileptic encephalopathy; individuals with variants occurring at the p.(Arg87) residue have been consistently reported with a more severe phenotype compared to other pathogenic variants in this gene (ClinVar, PMIDs: 2953497, 33149277). (SP) Legend: (SP) - Supporting pathogenic, (I) - Information, (SB) - Supporting benign

Blueprint Genetics
Classification: Pathogenic for CYFIP2-related disorders. Last evaluated: 2022-09-12. Review status: criteria provided, single submitter. Criteria: ACMG Guidelines, 2015. Collection method: clinical testing. Allele origin: germline. Affected: yes. Observed: 3 variant alleles.

Cytogénomique, Hospices Civils de Lyon
Classification: Pathogenic for Seizure. Last evaluated: 2020-04-24. Review status: criteria provided, single submitter. Criteria: ACMG Guidelines, 2015. Collection method: clinical testing. Allele origin: de novo. Inheritance: Sporadic. Affected: yes.
Comment: Absent from public databases. Considered pathogenic by prediction scores. de novo

Institute of Human Genetics Munich, TUM University Hospital
Classification: Pathogenic for Developmental and epileptic encephalopathy, 65. Last evaluated: 2019-07-22. Review status: criteria provided, single submitter. Criteria: Classification criteria August 2017. Collection method: clinical testing. Allele origin: de novo. Inheritance: Autosomal dominant inheritance. Affected: yes. Observed: 1 heterozygote.

HudsonAlpha Institute for Biotechnology
Classification: Pathogenic for Developmental and epileptic encephalopathy, 65. Last evaluated: 2019-07-03. Review status: criteria provided, single submitter. Criteria: HA_PGEN_assertions_20170620. Collection method: research. Allele origin: de novo. Affected: yes. Observed: 1 variant allele.

Mendelics
Classification: Pathogenic for Developmental and epileptic encephalopathy, 65. Last evaluated: 2019-05-28. Review status: criteria provided, single submitter. Criteria: Mendelics Assertion Criteria 2017. Collection method: clinical testing. Allele origin: unknown.

Institute of Human Genetics, University of Leipzig Medical Center
Classification: Pathogenic for Developmental and epileptic encephalopathy, 65. Last evaluated: 2019-05-13. Review status: criteria provided, single submitter. Criteria: ACMG Guidelines, 2015. Collection method: clinical testing. Allele origin: de novo. Affected: yes. Observed: 1 variant allele.
Comment: This variant was identified as de novo (maternity and paternity confirmed).

SIB Swiss Institute of Bioinformatics
Classification: Likely pathogenic for Developmental and epileptic encephalopathy, 65. Last evaluated: 2018-10-15. Review status: criteria provided, single submitter. Criteria: ACMG Guidelines, 2015. Collection method: curation. Allele origin: unknown.
Comment: This variant is interpreted as Likely Pathogenic, for Epileptic encephalopathy, early infantile, 65, autosomal dominant. The following ACMG Tag(s) were applied: PM2 => Absent from controls (or at extremely low frequency if recessive) in Exome Sequencing Project, 1000 Genomes Project, or Exome Aggregation Consortium. PP3 => Multiple lines of computational evidence support a deleterious effect on the gene or gene product. PS2 => De novo (paternity and maternity confirmed) (PubMed 29534297). PM1 => Located in a mutational hot spot and/or critical and well-established functional domain (e.g., active site of an enzyme) without benign variation (PubMed 29534297).

Ambry Genetics
Classification: Pathogenic for Inborn genetic diseases. Last evaluated: 2018-05-15. Review status: criteria provided, single submitter. Criteria: Ambry exome assertion method (8-5-2015). Collection method: clinical testing. Allele origin: germline. Affected: yes. Observed: 1 variant allele.

3billion
Classification: Pathogenic for Developmental and epileptic encephalopathy, 65. Review status: criteria provided, single submitter. Criteria: ACMG Guidelines, 2015. Collection method: clinical testing. Allele origin: unknown. Affected: yes. Observed: 1 heterozygote.
Comment: The variant is not observed in the gnomAD v2.1.1 dataset. Missense changes are a common disease-causing mechanism. Functional studies provide moderate evidence of the variant having a damaging effect on the gene or gene product (PMID: 29534297). In silico tool predictions suggest damaging effect of the variant on gene or gene product (3Cnet: 0.94). Same nucleotide change resulting in same amino acid change has been previously reported as pathogenic/likely pathogenic with strong evidence (ClinVar ID: VCV000430807 / PMID: 29534297). The variant has been previously reported as de novo in a similarly affected individual (PMID: 29534297). Different missense changes at the same codon (p.Arg87His, p.Arg87Leu, p.Arg87Pro, p.Arg87Ser) have been reported as pathogenic/likely pathogenic with strong evidence (ClinVar ID: VCV000545427, VCV000545429, VCV000802171 / PMID: 29534297, 33149277). Therefore, this variant is classified as Pathogenic according to the recommendation of ACMG/AMP guideline.

OMIM
Classification: Pathogenic for DEVELOPMENTAL AND EPILEPTIC ENCEPHALOPATHY 65. Last evaluated: 2020-11-17. Review status: no assertion criteria provided. Collection method: literature only. Allele origin: germline. Not counted in ClinVar's aggregate classification.

Literature cited by the submitters: PubMed 29534297 (cited by 6 submitters); PubMed 29667327 (cited by Labcorp Genetics (formerly Invitae), Labcorp); PubMed 30664714 (cited by Labcorp Genetics (formerly Invitae), Labcorp and OMIM); PubMed 33149277 (cited by Victorian Clinical Genetics Services, Murdoch Childrens Research Institute and 3billion); PubMed 2953497 (cited by Victorian Clinical Genetics Services, Murdoch Childrens Research Institute); PubMed 21107423 (cited by Ambry Genetics); PubMed 26582918 (cited by Ambry Genetics).

NM_001037333.3(CYFIP2):c.259C>T (p.Arg87Cys)

Gene: CYFIP2 (cytoplasmic FMR1 interacting protein 2; plus strand). Cytogenetic location: 5q33.3.
Variant type: single nucleotide variant.
Coding change: c.259C>T on transcript NM_001037333.3 (MANE Select); coding-DNA position 259, C replaced by T.
Protein change: p.Arg87Cys; replaces arginine 87 with cysteine.
Molecular consequence: missense variant. On other transcripts: intron variant (1).
Genome position (GRCh38, 1-based): chr5:157,294,834, C>T. VCF-style: chr5-157294834-C-T. GRCh37 (hg19) VCF-style: chr5-156721843-C-T.
Other names: NM_001037332.2:c.259C>T; c.259C>T, p.Arg87Cys (NM_001291722.2, NM_014376.4); c.208-1839C>T (NM_001291721.2); short protein forms R87C.
Identifiers: ClinVar variation 430807 (VCV000430807.23), dbSNP rs1131692231, ClinGen allele CA361965782.